The following is an entry in ClinVar:

ClinVar aggregate classification (germline): Likely pathogenic (1 of 4 stars; one submission).

Conditions:
Peroxisome biogenesis disorder. Identifiers: Orphanet 79189, MedGen C1832200, MONDO:0019234. Disease mechanism: loss of function.

Submission:

Labcorp Genetics (formerly Invitae), Labcorp
Classification: Likely pathogenic for Peroxisome biogenesis disorder. Last evaluated: 2024-03-05. Review status: criteria provided, single submitter. Criteria: Invitae Variant Classification Sherloc (09022015). Collection method: clinical testing. Allele origin: germline.
Comment: This sequence change affects a donor splice site in intron 5 of the PEX6 gene. It is expected to disrupt RNA splicing. Variants that disrupt the donor or acceptor splice site typically lead to a loss of protein function (PMID: 16199547), and loss-of-function variants in PEX6 are known to be pathogenic (PMID: 10408779, 21031596, 31831025). This variant is not present in population databases (gnomAD no frequency). This variant has not been reported in the literature in individuals affected with PEX6-related conditions. Algorithms developed to predict the effect of sequence changes on RNA splicing suggest that this variant may disrupt the consensus splice site. In summary, the currently available evidence indicates that the variant is pathogenic, but additional data are needed to prove that conclusively. Therefore, this variant has been classified as Likely Pathogenic.

Literature cited by the submitters: PubMed 16199547; PubMed 10408779; PubMed 21031596; PubMed 31831025.

NM_000287.4(PEX6):c.1367+2T>A

Gene: PEX6 (peroxisomal biogenesis factor 6; minus strand). Cytogenetic location: 6p21.1.
Variant type: single nucleotide variant.
Coding change: c.1367+2T>A on transcript NM_000287.4 (MANE Select); the canonical splice donor site of the intron after coding-DNA position 1367, T replaced by A.
Molecular consequence: splice donor variant.
Genome position (GRCh38, 1-based): chr6:42,969,666, A>T on the plus strand (T>A on the coding strand, the complement: PEX6 is on the minus strand). VCF-style: chr6-42969666-A-T. GRCh37 (hg19) VCF-style: chr6-42937404-A-T.
Other names: c.1103+2T>A (NM_001316313.2).
Identifiers: ClinVar variation 3644592 (VCV003644592.2).